The following is an entry in ClinVar:

ClinVar aggregate classification (germline): Uncertain significance (1 of 4 stars; one submission).

Conditions:
Lowe syndrome (OCRL). Also called: LOWE OCULOCEREBRORENAL SYNDROME; PHOSPHATIDYLINOSITOL 4,5-BISPHOSPHATE 5-PHOSPHATASE DEFICIENCY; Oculocerebrorenal Syndrome. Identifiers: Orphanet 534, MedGen C0028860, MONDO:0010645, OMIM 309000.

Submission:

Labcorp Genetics (formerly Invitae), Labcorp
Classification: Uncertain significance for Lowe syndrome. Last evaluated: 2024-11-10. Review status: criteria provided, single submitter. Criteria: Invitae Variant Classification Sherloc (09022015). Collection method: clinical testing. Allele origin: germline.
Comment: This sequence change replaces serine, which is neutral and polar, with cysteine, which is neutral and slightly polar, at codon 156 of the OCRL protein (p.Ser156Cys). This variant is not present in population databases (gnomAD no frequency). This variant has not been reported in the literature in individuals affected with OCRL-related conditions. Invitae Evidence Modeling of protein sequence and biophysical properties (such as structural, functional, and spatial information, amino acid conservation, physicochemical variation, residue mobility, and thermodynamic stability) indicates that this missense variant is not expected to disrupt OCRL protein function with a negative predictive value of 95%. In summary, the available evidence is currently insufficient to determine the role of this variant in disease. Therefore, it has been classified as a Variant of Uncertain Significance.

NM_000276.4(OCRL):c.467C>G (p.Ser156Cys)

Gene: OCRL (OCRL inositol polyphosphate-5-phosphatase; plus strand). Cytogenetic location: Xq26.1.
Variant type: single nucleotide variant.
Coding change: c.467C>G on transcript NM_000276.4 (MANE Select); coding-DNA position 467, C replaced by G.
Protein change: p.Ser156Cys; replaces serine 156 with cysteine.
Molecular consequence: missense variant.
Genome position (GRCh38, 1-based): chrX:129,558,660, C>G. VCF-style: chrX-129558660-C-G. GRCh37 (hg19) VCF-style: chrX-128692637-C-G.
Other names: c.470C>G, p.Ser157Cys (NM_001318784.2); c.467C>G, p.Ser156Cys (NM_001587.4); short protein forms S156C, S157C.
Identifiers: ClinVar variation 3636336 (VCV003636336.2).
Genomic context (GRCh38, chrX:129,558,660, plus strand): 5'-TCCCCGTTTGACTTTGGGGTCTGTGTCTTTCAGGGCTTCTTGGATTTGAAGACAATTTTT[C>G]TTCTATGAATTTGGACAAGAAAATAAATTCACAAAATCAGCCTACTGGGATTCATCGGGA-3'
Protein context (NP_000267.2, residues 146-166): SGLLGFEDNF[Ser156Cys]SMNLDKKINS